The following is an entry in ClinVar:

ClinVar aggregate classification (germline): Conflicting classifications of pathogenicity. Review status: criteria provided, conflicting classifications (1 of 4 stars). 2 submissions from 2 submitters: Pathogenic (1); Uncertain significance (1). Last evaluated 2024-02-15.

Submissions (2):

GeneDx
Classification: Pathogenic. Last evaluated: 2024-02-15. Review status: criteria provided, single submitter. Criteria: GeneDx Variant Classification Process June 2021. Collection method: clinical testing. Allele origin: germline.
Comment: Nonsense variant predicted to result in protein truncation or nonsense mediated decay in a gene for which loss of function is a known mechanism of disease; Not observed at significant frequency in large population cohorts (gnomAD); This variant is associated with the following publications: (PMID: 31785789, Qi2022[FunctionalStudy], 28191890, 28135719)

Blueprint Genetics
Classification: Uncertain significance. Last evaluated: 2021-04-28. Review status: criteria provided, single submitter. Criteria: ACMG Guidelines, 2015. Collection method: clinical testing. Allele origin: germline.

NM_001367943.1(TCF7L2):c.1219C>T (p.Arg407Ter)

Gene: TCF7L2 (transcription factor 7 like 2; plus strand). Cytogenetic location: 10q25.3.
Variant type: single nucleotide variant.
Coding change: c.1219C>T on transcript NM_001367943.1 (MANE Select); coding-DNA position 1219, C replaced by T.
Protein change: p.Arg407Ter; replaces arginine 407 with a stop codon.
Molecular consequence: nonsense.
Genome position (GRCh38, 1-based): chr10:113,152,390, C>T. VCF-style: chr10-113152390-C-T. GRCh37 (hg19) VCF-style: chr10-114912149-C-T.
Other names: c.1219C>T, p.Arg407Ter (NM_001146274.2, NM_001198531.2, NM_001363501.2); c.1291C>T, p.Arg431Ter (NM_001146283.2); c.1138C>T, p.Arg380Ter (NM_001146284.2, NM_001198527.2); c.1150C>T, p.Arg384Ter (NM_001146285.2, NM_001146286.2, NM_001198526.2 and 3 more transcripts); c.1165C>T, p.Arg389Ter (NM_001198525.2); c.1048C>T, p.Arg350Ter (NM_001198530.2); c.790C>T, p.Arg264Ter (NM_001349870.2); c.670C>T, p.Arg224Ter (NM_001349871.1); short protein forms R224*, R264*, R350*, R380*, R384*, R389*, R407*, R431*.
Identifiers: ClinVar variation 2503277 (VCV002503277.3), dbSNP rs2137179429, ClinGen allele CA378409754.